The following is an entry in ClinVar:

ClinVar aggregate classification (germline): Conflicting classifications of pathogenicity. Review status: criteria provided, conflicting classifications (1 of 4 stars). 2 submissions from 2 submitters: Uncertain significance (1); Likely benign (1). Last evaluated 2026-01-13.

Allele frequency attached by ClinVar (database versions not stated): gnomAD exomes 0.00018; gnomAD 0.00027; TOPMed 0.00029; ExAC 0.00031; ESP Exome Variant Server 0.00056.
gnomAD v4.1: 307 of 1,597,116 alleles (0.019%); highest among the groups gnomAD compares: Non-Finnish European, 0.023%; no homozygotes.

Submissions (2):

Labcorp Genetics (formerly Invitae), Labcorp
Classification: Uncertain significance. Last evaluated: 2026-01-13. Review status: criteria provided, single submitter. Criteria: Invitae Variant Classification Sherloc (09022015). Collection method: clinical testing. Allele origin: germline.
Comment: This sequence change falls in intron 35 of the CACNA1B gene. It does not directly change the encoded amino acid sequence of the CACNA1B protein. It affects a nucleotide within the consensus splice site. This variant is present in population databases (rs199508812, gnomAD 0.04%). This variant has not been reported in the literature in individuals affected with CACNA1B-related conditions. ClinVar contains an entry for this variant (Variation ID: 2085585). Variants that disrupt the consensus splice site are a relatively common cause of aberrant splicing (PMID: 17576681, 9536098). Algorithms developed to predict the effect of sequence changes on RNA splicing suggest that this variant is not likely to affect RNA splicing. In summary, the available evidence is currently insufficient to determine the role of this variant in disease. Therefore, it has been classified as a Variant of Uncertain Significance.

Blueprint Genetics
Classification: Likely benign. Last evaluated: 2024-11-15. Review status: criteria provided, single submitter. Criteria: ACMG Guidelines, 2015. Collection method: clinical testing. Allele origin: germline.

Literature cited by the submitters: PubMed 17576681 (cited by Labcorp Genetics (formerly Invitae), Labcorp); PubMed 9536098 (cited by Labcorp Genetics (formerly Invitae), Labcorp).

NM_000718.4(CACNA1B):c.4949+3G>A

Gene: CACNA1B (calcium voltage-gated channel subunit alpha1 B; plus strand). Cytogenetic location: 9q34.3.
Variant type: single nucleotide variant.
Coding change: c.4949+3G>A on transcript NM_000718.4 (MANE Select); 3 bases into the intron after coding-DNA position 4949, G replaced by A.
Molecular consequence: intron variant.
Genome position (GRCh38, 1-based): chr9:138,075,913, G>A. VCF-style: chr9-138075913-G-A. GRCh37 (hg19) VCF-style: chr9-140970365-G-A.
Other names: c.4949+3G>A (NM_001243812.2).
Identifiers: ClinVar variation 2085585 (VCV002085585.3), dbSNP rs199508812, ClinGen allele CA5377194.